The following is an entry in ClinVar:

ClinVar aggregate classification (germline): Uncertain significance. Review status: criteria provided, multiple submitters, no conflicts (2 of 4 stars). 2 submissions from 2 submitters: Uncertain significance (2). Last evaluated 2026-04-01.

Conditions:
SPTB-related disorder. Also called: SPTB-Related Disorders; SPTB-related condition.

gnomAD v4.1: 168 of 1,614,080 alleles (0.01%); highest among the groups gnomAD compares: Non-Finnish European, 0.014%; no homozygotes.

Submissions (2):

PreventionGenetics, part of Exact Sciences
Classification: Uncertain significance for SPTB-related condition. Last evaluated: 2026-04-01. Review status: criteria provided, single submitter. Criteria: ACMG Guidelines, 2015. Collection method: clinical testing. Allele origin: germline.
Comment: The SPTB c.5831A>C variant is predicted to result in the amino acid substitution p.Tyr1944Ser. To our knowledge, this variant has not been reported in the literature. This variant is reported in 0.010% of alleles in individuals of European (Non-Finnish) descent in gnomAD. Although we suspect that this variant may be benign, at this time, the clinical significance of this variant is uncertain due to the absence of conclusive functional and genetic evidence.

Revvity Omics, Revvity
Classification: Uncertain significance. Last evaluated: 2024-04-16. Review status: criteria provided, single submitter. Criteria: ACMG Guidelines, 2015. Collection method: clinical testing. Allele origin: germline.

NM_001355436.2(SPTB):c.5831A>C (p.Tyr1944Ser)

Gene: SPTB (spectrin beta, erythrocytic; minus strand). Cytogenetic location: 14q23.3.
Variant type: single nucleotide variant.
Coding change: c.5831A>C on transcript NM_001355436.2 (MANE Select); coding-DNA position 5831, A replaced by C.
Protein change: p.Tyr1944Ser; replaces tyrosine 1944 with serine.
Molecular consequence: missense variant.
Genome position (GRCh38, 1-based): chr14:64,769,696, T>G on the plus strand (A>C on the coding strand, the complement: SPTB is on the minus strand). VCF-style: chr14-64769696-T-G. GRCh37 (hg19) VCF-style: chr14-65236414-T-G.
Other names: c.5831A>C (NM_001024858.2); c.5831A>C, p.Tyr1944Ser (NM_001024858.4, NM_001355437.2); short protein forms Y1944S.
Identifiers: ClinVar variation 4080283 (VCV004080283.2).